The following is an entry in ClinVar:

ClinVar aggregate classification (germline): Uncertain significance (1 of 4 stars; one submission).

Submission:

Labcorp Genetics (formerly Invitae), Labcorp
Classification: Uncertain significance. Last evaluated: 2021-09-04. Review status: criteria provided, single submitter. Criteria: Invitae Variant Classification Sherloc (09022015). Collection method: clinical testing. Allele origin: germline.
Comment: Experimental studies and prediction algorithms are not available or were not evaluated, and the functional significance of this variant is currently unknown. In summary, the available evidence is currently insufficient to determine the role of this variant in disease. Therefore, it has been classified as a Variant of Uncertain Significance. This variant has not been reported in the literature in individuals affected with SLC45A2-related conditions. This variant results in a copy number gain of the genomic region encompassing exon(s) 7 of the SLC45A2 gene. This region includes the termination codon of the gene. This copy number gain extends beyond the assayed region for this gene and therefore may encompass additional genes. As the precise location of this event is unknown, it may be in tandem or it may be located elsewhere in the genome.

NC_000005.9:g.(?_33944753)_(33944997_?)dup

Gene: SLC45A2 (solute carrier family 45 member 2; minus strand). Cytogenetic location: 5p13.2.
Variant type: Duplication.
Identifiers: ClinVar variation 1412027 (VCV001412027.4).